The following is an entry in ClinVar:

NM_000336.3(SCNN1B):c.1190G>A (p.Arg397His)

Gene: SCNN1B (sodium channel epithelial 1 subunit beta; plus strand). Cytogenetic location: 16p12.2.
Variant type: single nucleotide variant.
Coding change: c.1190G>A on transcript NM_000336.3 (MANE Select); coding-DNA position 1190, G replaced by A.
Protein change: p.Arg397His; replaces arginine 397 with histidine.
Molecular consequence: missense variant.
Genome position (GRCh38, 1-based): chr16:23,375,775, G>A. VCF-style: chr16-23375775-G-A. GRCh37 (hg19) VCF-style: chr16-23387096-G-A.
Other names: c.1082G>A, p.Arg361His (NM_001410900.1); short protein forms R397H, R361H.
Identifiers: ClinVar variation 2324858 (VCV002324858.5), dbSNP rs61729789, ClinGen allele CA7960394.

ClinVar aggregate classification (germline): Conflicting classifications of pathogenicity. Review status: criteria provided, conflicting classifications (1 of 4 stars). 2 submissions from 2 submitters: Uncertain significance (1); Likely benign (1). Last evaluated 2025-06-12.

Conditions:
Inborn genetic diseases. Identifiers: MedGen C0950123, MeSH D030342.

gnomAD v4.1: 12 of 1,614,064 alleles (0.00074%); highest among the groups gnomAD compares: South Asian, 0.0011%; no homozygotes.

Submissions (2):

Labcorp Genetics (formerly Invitae), Labcorp
Classification: Uncertain significance. Last evaluated: 2025-06-12. Review status: criteria provided, single submitter. Criteria: Invitae Variant Classification Sherloc (09022015). Collection method: clinical testing. Allele origin: germline.
Comment: This sequence change replaces arginine, which is basic and polar, with histidine, which is basic and polar, at codon 397 of the SCNN1B protein (p.Arg397His). This variant is present in population databases (rs61729789, gnomAD 0.004%). This variant has not been reported in the literature in individuals affected with SCNN1B-related conditions. ClinVar contains an entry for this variant (Variation ID: 2324858). Invitae Evidence Modeling of protein sequence and biophysical properties (such as structural, functional, and spatial information, amino acid conservation, physicochemical variation, residue mobility, and thermodynamic stability) indicates that this missense variant is not expected to disrupt SCNN1B protein function with a negative predictive value of 80%. In summary, the available evidence is currently insufficient to determine the role of this variant in disease. Therefore, it has been classified as a Variant of Uncertain Significance.

Ambry Genetics
Classification: Likely benign for Inborn genetic diseases. Last evaluated: 2022-11-08. Review status: criteria provided, single submitter. Criteria: Ambry Variant Classification Scheme 2023. Collection method: clinical testing. Allele origin: germline.